The following is an entry in ClinVar:

NM_002617.4(PEX10):c.758G>T (p.Arg253Leu)

Gene: PEX10 (peroxisomal biogenesis factor 10; minus strand). Cytogenetic location: 1p36.32.
Variant type: single nucleotide variant.
Coding change: c.758G>T on transcript NM_002617.4 (MANE Select); coding-DNA position 758, G replaced by T.
Protein change: p.Arg253Leu; replaces arginine 253 with leucine.
Molecular consequence: missense variant. On other transcripts: non-coding transcript variant (1).
Genome position (GRCh38, 1-based): chr1:2,406,738, C>A on the plus strand (G>T on the coding strand, the complement: PEX10 is on the minus strand). VCF-style: chr1-2406738-C-A. GRCh37 (hg19) VCF-style: chr1-2338177-C-A.
Other names: c.815G>T, p.Arg272Leu (NM_001374425.1); c.383G>T, p.Arg128Leu (NM_001374426.1); c.326G>T, p.Arg109Leu (NM_001374427.1); c.818G>T, p.Arg273Leu (NM_153818.2); short protein forms R109L, R273L, R128L, R253L, R272L.
Identifiers: ClinVar variation 1362524 (VCV001362524.8), dbSNP rs750769868, ClinGen allele CA337985024.

ClinVar aggregate classification (germline): Uncertain significance (1 of 4 stars; one submission).

Conditions:
Peroxisome biogenesis disorder, complementation group 7 (CG7). Also called: Peroxisome biogenesis disorder, complementation group B. Identifiers: MedGen C1864399.

Submission:

Labcorp Genetics (formerly Invitae), Labcorp
Classification: Uncertain significance for Peroxisome biogenesis disorder, complementation group 7. Last evaluated: 2022-08-16. Review status: criteria provided, single submitter. Criteria: Invitae Variant Classification Sherloc (09022015). Collection method: clinical testing. Allele origin: germline.
Comment: This sequence change replaces arginine, which is basic and polar, with leucine, which is neutral and non-polar, at codon 273 of the PEX10 protein (p.Arg273Leu). This variant is not present in population databases (gnomAD no frequency). This variant has not been reported in the literature in individuals affected with PEX10-related conditions. ClinVar contains an entry for this variant (Variation ID: 1362524). Algorithms developed to predict the effect of missense changes on protein structure and function are either unavailable or do not agree on the potential impact of this missense change (SIFT: "Tolerated"; PolyPhen-2: "Possibly Damaging"; Align-GVGD: "Class C0"). In summary, the available evidence is currently insufficient to determine the role of this variant in disease. Therefore, it has been classified as a Variant of Uncertain Significance.